The following is an entry in ClinVar:

ClinVar aggregate classification (germline): Uncertain significance (1 of 4 stars; one submission).

Conditions:
Hereditary cancer-predisposing syndrome. Also called: Neoplastic Syndromes, Hereditary; Tumor predisposition; Hereditary Cancer Syndrome; Hereditary neoplastic syndrome. Identifiers: Orphanet 140162, MedGen C0027672, MeSH D009386, MONDO:0015356.

Submission:

Ambry Genetics
Classification: Uncertain significance for Hereditary cancer-predisposing syndrome. Last evaluated: 2021-09-11. Review status: criteria provided, single submitter. Criteria: Ambry Variant Classification Scheme 2023. Collection method: clinical testing. Allele origin: germline.
Comment: The p.D998N variant (also known as c.2992G>A), located in coding exon 21 of the TSC1 gene, results from a G to A substitution at nucleotide position 2992. The aspartic acid at codon 998 is replaced by asparagine, an amino acid with highly similar properties. This amino acid position is well conserved in available vertebrate species. In addition, this alteration is predicted to be tolerated by in silico analysis. Since supporting evidence is limited at this time, the clinical significance of this alteration remains unclear.

NM_000368.5(TSC1):c.2992G>A (p.Asp998Asn)

Gene: TSC1 (TSC complex subunit 1; minus strand). Cytogenetic location: 9q34.13.
Variant type: single nucleotide variant.
Coding change: c.2992G>A on transcript NM_000368.5 (MANE Select); coding-DNA position 2992, G replaced by A.
Protein change: p.Asp998Asn; replaces aspartic acid 998 with asparagine.
Molecular consequence: missense variant.
Genome position (GRCh38, 1-based): chr9:132,896,738, C>T on the plus strand (G>A on the coding strand, the complement: TSC1 is on the minus strand). VCF-style: chr9-132896738-C-T. GRCh37 (hg19) VCF-style: chr9-135772125-C-T.
Other names: c.2989G>A, p.Asp997Asn (NM_001162426.2, NM_001406597.1, NM_001406598.1 and 2 more transcripts); c.2839G>A, p.Asp947Asn (NM_001162427.2, NM_001406610.1); c.2629G>A, p.Asp877Asn (NM_001362177.2, NM_001406614.1, NM_001406615.1 and 4 more transcripts); c.2992G>A, p.Asp998Asn (NM_001406592.1, NM_001406593.1, NM_001406594.1 and 2 more transcripts); c.2977G>A, p.Asp993Asn (NM_001406601.1, NM_001406602.1); c.2974G>A, p.Asp992Asn (NM_001406603.1, NM_001406604.1); c.2950G>A, p.Asp984Asn (NM_001406605.1, NM_001406606.1, NM_001406607.1); c.2947G>A, p.Asp983Asn (NM_001406608.1, NM_001406609.1); and 8 more; short protein forms D680N, D681N, D932N, D997N, D862N, D876N, D877N, D983N.
Identifiers: ClinVar variation 1798540 (VCV001798540.2), dbSNP rs2538460364, ClinGen allele CA375367997.